The following is an entry in ClinVar:

NM_006031.6(PCNT):c.4089G>A (p.Leu1363=)

Gene: PCNT (pericentrin; plus strand). Cytogenetic location: 21q22.3.
Variant type: single nucleotide variant.
Coding change: c.4089G>A on transcript NM_006031.6 (MANE Select); coding-DNA position 4089, G replaced by A.
Protein change: p.Leu1363=; no amino-acid change (leucine 1363 retained).
Molecular consequence: synonymous variant.
Genome position (GRCh38, 1-based): chr21:46,391,249, G>A. VCF-style: chr21-46391249-G-A. GRCh37 (hg19) VCF-style: chr21-47811164-G-A.
Other names: c.3735G>A, p.Leu1245= (NM_001315529.2).
Identifiers: ClinVar variation 4995327 (VCV004995327.1).

ClinVar aggregate classification (germline): Likely benign (1 of 4 stars; one submission).

Conditions:
PCNT-related disorder. Also called: PCNT-related condition.

gnomAD v4.1: 1 of 1,604,714 alleles (0.000062%); highest among the groups gnomAD compares: African/African-American, 0.0013%; no homozygotes.

Submission:

PreventionGenetics, part of Exact Sciences
Classification: Likely benign for PCNT-related condition. Last evaluated: 2026-05-23. Review status: criteria provided, single submitter. Criteria: ACMG Guidelines, 2015. Collection method: clinical testing. Allele origin: germline.
Comment: This variant is classified as likely benign based on ACMG/AMP sequence variant interpretation guidelines (Richards et al. 2015 PMID: 25741868, with internal and published modifications).